The following is an entry in ClinVar:

ClinVar aggregate classification (germline): Uncertain significance. Review status: criteria provided, multiple submitters, no conflicts (2 of 4 stars). 2 submissions from 2 submitters: Uncertain significance (2). Last evaluated 2023-11-20.

Conditions:
Autoinflammation-PLCG2-associated antibody deficiency-immune dysregulation. Also called: Autoinflammation, antibody deficiency, and immune dysregulation, plcg2-associated; AUTOINFLAMMATION, ANTIBODY DEFICIENCY, AND IMMUNE DYSREGULATION; Autoinflammation, antibody deficiency, and immune dysregulation syndrome. Identifiers: Orphanet 324530, MedGen C3553961, MONDO:0013944, OMIM 614878.
Familial cold autoinflammatory syndrome 3 (FCAS3). Also called: ANTIBODY DEFICIENCY AND IMMUNE DYSREGULATION, PLCG2-ASSOCIATED; FAMILIAL ATYPICAL COLD URTICARIA. Identifiers: Orphanet 300359, MedGen C3280914, MONDO:0013766, OMIM 614468.

Allele frequency attached by ClinVar (database versions not stated): gnomAD exomes 0.00004; ExAC 0.00006.
gnomAD v4.1: 35 of 1,614,088 alleles (0.0022%); highest among the groups gnomAD compares: South Asian, 0.016%; no homozygotes.

Submissions (2):

Labcorp Genetics (formerly Invitae), Labcorp
Classification: Uncertain significance for Familial cold autoinflammatory syndrome 3. Last evaluated: 2023-11-20. Review status: criteria provided, single submitter. Criteria: Invitae Variant Classification Sherloc (09022015). Collection method: clinical testing. Allele origin: germline.
Comment: This sequence change replaces aspartic acid, which is acidic and polar, with asparagine, which is neutral and polar, at codon 463 of the PLCG2 protein (p.Asp463Asn). This variant is present in population databases (rs752906992, gnomAD 0.02%). This variant has not been reported in the literature in individuals affected with PLCG2-related conditions. ClinVar contains an entry for this variant (Variation ID: 1424065). An algorithm developed to predict the effect of missense changes on protein structure and function (PolyPhen-2) suggests that this variant is likely to be tolerated. In summary, the available evidence is currently insufficient to determine the role of this variant in disease. Therefore, it has been classified as a Variant of Uncertain Significance.

Fulgent Genetics
Classification: Uncertain significance for Familial cold autoinflammatory syndrome 3; Autoinflammation-PLCG2-associated antibody deficiency-immune dysregulation. Last evaluated: 2022-04-07. Review status: criteria provided, single submitter. Criteria: ACMG Guidelines, 2015. Collection method: clinical testing. Allele origin: unknown.

NM_002661.5(PLCG2):c.1387G>A (p.Asp463Asn)

Gene: PLCG2 (phospholipase C gamma 2; plus strand). Cytogenetic location: 16q23.3.
Variant type: single nucleotide variant.
Coding change: c.1387G>A on transcript NM_002661.5 (MANE Select); coding-DNA position 1387, G replaced by A.
Protein change: p.Asp463Asn; replaces aspartic acid 463 with asparagine.
Molecular consequence: missense variant.
Genome position (GRCh38, 1-based): chr16:81,905,427, G>A. VCF-style: chr16-81905427-G-A. GRCh37 (hg19) VCF-style: chr16-81939032-G-A.
Other names: short protein forms D463N.
Identifiers: ClinVar variation 1424065 (VCV001424065.9), dbSNP rs752906992, ClinGen allele CA8193746.
Genomic context (GRCh38, chr16:81,905,427, plus strand): 5'-CCATGGAGACAGCCTATGTATATGTTTTCCCCTCAGCATAAGAAGCTGGGCCCCCGAGGC[G>A]ATGTGGATGTCAACATGGAGGACAAGAAGGACGAACACAAGCAACAGGGGGAGCTGTACA-3'
Protein context (NP_002652.2, residues 453-473): IKHKKLGPRG[Asp463Asn]VDVNMEDKKD